The following is an entry in ClinVar:

ClinVar aggregate classification (germline): Uncertain significance (1 of 4 stars; one submission).

gnomAD v4.1: 6 of 1,612,786 alleles (0.00037%); highest among the groups gnomAD compares: Non-Finnish European, 0.00051%; no homozygotes.

Submission:

Labcorp Genetics (formerly Invitae), Labcorp
Classification: Uncertain significance. Last evaluated: 2025-08-18. Review status: criteria provided, single submitter. Criteria: Invitae Variant Classification Sherloc (09022015). Collection method: clinical testing. Allele origin: germline.
Comment: This sequence change replaces glutamic acid, which is acidic and polar, with alanine, which is neutral and non-polar, at codon 205 of the DDX58 protein (p.Glu205Ala). This variant is present in population databases (rs187810594, gnomAD 0.0009%). This variant has not been reported in the literature in individuals affected with DDX58-related conditions. An algorithm developed to predict the effect of missense changes on protein structure and function (PolyPhen-2) suggests that this variant is likely to be tolerated. In summary, the available evidence is currently insufficient to determine the role of this variant in disease. Therefore, it has been classified as a Variant of Uncertain Significance.

NM_014314.4(RIGI):c.614A>C (p.Glu205Ala)

Gene: RIGI (RNA sensor RIG-I; minus strand). Cytogenetic location: 9p21.1.
Variant type: single nucleotide variant.
Coding change: c.614A>C on transcript NM_014314.4 (MANE Select); coding-DNA position 614, A replaced by C.
Protein change: p.Glu205Ala; replaces glutamic acid 205 with alanine.
Molecular consequence: missense variant.
Genome position (GRCh38, 1-based): chr9:32,491,378, T>G on the plus strand (A>C on the coding strand, the complement: RIGI is on the minus strand). VCF-style: chr9-32491378-T-G. GRCh37 (hg19) VCF-style: chr9-32491376-T-G.
Other names: c.614A>C, p.Glu205Ala (NM_001385907.1, NM_001385909.1); c.173A>C, p.Glu58Ala (NM_001385910.1, NM_001385914.1); c.5A>C, p.Glu2Ala (NM_001385912.1); c.599A>C, p.Glu200Ala (NM_001385913.1); short protein forms E2A, E58A, E205A, E200A.
Identifiers: ClinVar variation 4704911 (VCV004704911.1).
Genomic context (GRCh38, chr9:32,491,378, plus strand): 5'-TTCTCACTAAGATTCTGGCATTCTGGATCTTCTTGGTAGAAAATCTGTATGTCAGAAGTT[T>G]CCATCTTATCCTCAAGATCTTCTGTTTCAACATCTTTTATACCTTTTTAAGACCAAAAAA-3'
Protein context (NP_055129.2, residues 195-215): VETEDLEDKM[Glu205Ala]TSDIQIFYQE